The following is an entry in ClinVar:

ClinVar aggregate classification (germline): Uncertain significance. Review status: criteria provided, multiple submitters, no conflicts (2 of 4 stars). 4 submissions from 4 submitters: Uncertain significance (4). Last evaluated 2025-10-08.

Conditions:
Inborn genetic diseases. Identifiers: MedGen C0950123, MeSH D030342.
Holocarboxylase synthetase deficiency. Also called: MULTIPLE CARBOXYLASE DEFICIENCY, EARLY ONSET. Identifiers: Orphanet 79242, MedGen C0268581, MONDO:0009666, OMIM 253270.

Allele frequency attached by ClinVar (database versions not stated): gnomAD exomes 0.00001; TOPMed 0.00001; ExAC 0.00002.
gnomAD v4.1: 22 of 1,613,938 alleles (0.0014%); highest among the groups gnomAD compares: Non-Finnish European, 0.0017%; no homozygotes.

Submissions (4):

Ambry Genetics
Classification: Uncertain significance for Inborn genetic diseases. Last evaluated: 2025-10-08. Review status: criteria provided, single submitter. Criteria: Ambry Variant Classification Scheme 2023. Collection method: clinical testing. Allele origin: germline.

Labcorp Genetics (formerly Invitae), Labcorp
Classification: Uncertain significance for Holocarboxylase synthetase deficiency. Last evaluated: 2024-02-24. Review status: criteria provided, single submitter. Criteria: Invitae Variant Classification Sherloc (09022015). Collection method: clinical testing. Allele origin: germline.
Comment: This sequence change replaces lysine, which is basic and polar, with glutamic acid, which is acidic and polar, at codon 30 of the HLCS protein (p.Lys30Glu). This variant is present in population databases (rs759396333, gnomAD 0.003%). This variant has not been reported in the literature in individuals affected with HLCS-related conditions. ClinVar contains an entry for this variant (Variation ID: 374458). Advanced modeling of protein sequence and biophysical properties (such as structural, functional, and spatial information, amino acid conservation, physicochemical variation, residue mobility, and thermodynamic stability) performed at Invitae indicates that this missense variant is not expected to disrupt HLCS protein function with a negative predictive value of 95%. In summary, the available evidence is currently insufficient to determine the role of this variant in disease. Therefore, it has been classified as a Variant of Uncertain Significance.

CeGaT Center for Human Genetics Tuebingen
Classification: Uncertain significance. Last evaluated: 2016-08-01. Review status: criteria provided, single submitter. Criteria: CeGaT Center For Human Genetics Tuebingen Variant Classification Criteria Version 2. Collection method: clinical testing. Allele origin: germline. Affected: yes. Observed: 1 variant allele.

Breakthrough Genomics
Classification: Uncertain significance. Review status: criteria provided, single submitter. Criteria: ACMG Guidelines, 2015. Collection method: not provided. Allele origin: germline. Inheritance: Autosomal dominant inheritance. Affected: yes.

NM_001352514.2(HLCS):c.529A>G (p.Lys177Glu)

Gene: HLCS (holocarboxylase synthetase; minus strand). Cytogenetic location: 21q22.13.
Variant type: single nucleotide variant.
Coding change: c.529A>G on transcript NM_001352514.2 (MANE Select); coding-DNA position 529, A replaced by G.
Protein change: p.Lys177Glu; replaces lysine 177 with glutamic acid.
Molecular consequence: missense variant. On other transcripts: non-coding transcript variant (2).
Genome position (GRCh38, 1-based): chr21:36,937,357, T>C on the plus strand (A>G on the coding strand, the complement: HLCS is on the minus strand). VCF-style: chr21-36937357-T-C. GRCh37 (hg19) VCF-style: chr21-38309657-T-C.
Other names: c.88A>G, p.Lys30Glu (NM_000411.8, NM_001242784.3, NM_001242785.2 and 4 more transcripts); c.88A>G (NM_000411.6); short protein forms K30E, K177E.
Identifiers: ClinVar variation 374458 (VCV000374458.46), dbSNP rs759396333, ClinGen allele CA10020742.